The following is an entry in ClinVar:

ClinVar aggregate classification (germline): Conflicting classifications of pathogenicity. Review status: criteria provided, conflicting classifications (1 of 4 stars). 3 submissions from 3 submitters: Uncertain significance (2); Likely benign (1). Last evaluated 2026-03-01.

Conditions:
Epidermolysis bullosa simplex 5C, with pyloric atresia (EBS5C). Also called: PLEC-Related Epidermolysis Bullosa with Pyloric Atresia; Epidermolysis bullosa simplex with pyloric atresia; PLEC1-Related Epidermolysis Bullosa with Pyloric Atresia. Identifiers: Orphanet 158684, MedGen C2677349, MONDO:0012807, OMIM 612138.
Epidermolysis bullosa simplex 5B, with muscular dystrophy (EBS5B). Also called: EPIDERMOLYSIS BULLOSA SIMPLEX AND LIMB-GIRDLE MUSCULAR DYSTROPHY; Epidermolysis bullosa simplex with muscular dystrophy. Identifiers: Orphanet 257, MedGen C2931072, MONDO:0009181, OMIM 226670.
Autosomal recessive limb-girdle muscular dystrophy type 2Q (LGMDR17). Also called: MUSCULAR DYSTROPHY, LIMB-GIRDLE, AUTOSOMAL RECESSIVE 17. Identifiers: Orphanet 254361, MedGen C3150989, MONDO:0013390, OMIM 613723.
Epidermolysis bullosa simplex with nail dystrophy (EBS5D). Identifiers: MedGen C4225309, MONDO:0014661, OMIM 616487.
Epidermolysis bullosa simplex, Ogna type (EBS5A). Also called: Pidermolysis bullosa simplex 5A, Ogna type; EPIDERMOLYSIS BULLOSA SIMPLEX 5A, OGNA TYPE. Identifiers: Orphanet 79401, MedGen C0432317, MONDO:0007555, OMIM 131950.

Allele frequency attached by ClinVar (database versions not stated): gnomAD 0.00003 and 0.00004; ExAC 0.00004; gnomAD exomes 0.00004 and 0.00008; TOPMed 0.00004; ESP Exome Variant Server 0.00016.
gnomAD v4.1: 123 of 1,604,916 alleles (0.0077%); highest among the groups gnomAD compares: Non-Finnish European, 0.01%; no homozygotes.

Submissions (3):

CeGaT Center for Human Genetics Tuebingen
Classification: Uncertain significance. Last evaluated: 2026-03-01. Review status: criteria provided, single submitter. Criteria: CeGaT Center For Human Genetics Tuebingen Variant Classification Criteria Version 2. Collection method: clinical testing. Allele origin: germline. Affected: yes. Observed: 1 variant allele.
Comment: PLEC: PM2:Supporting, BP4

Labcorp Genetics (formerly Invitae), Labcorp
Classification: Likely benign for Autosomal recessive limb-girdle muscular dystrophy type 2Q; Epidermolysis bullosa simplex, Ogna type; Epidermolysis bullosa simplex with nail dystrophy; Epidermolysis bullosa simplex 5C, with pyloric atresia; Epidermolysis bullosa simplex 5B, with muscular dystrophy. Last evaluated: 2025-07-27. Review status: criteria provided, single submitter. Criteria: Invitae Variant Classification Sherloc (09022015). Collection method: clinical testing. Allele origin: germline.

Eurofins Ntd Llc (ga)
Classification: Uncertain significance. Last evaluated: 2017-06-14. Review status: criteria provided, single submitter. Criteria: EGL Classification Definitions 2015. Collection method: clinical testing. Allele origin: germline. Observed: 2 variant alleles, 2 heterozygotes.

NM_201384.3(PLEC):c.12675C>G (p.Gly4225=)

Gene: PLEC (plectin; minus strand). Cytogenetic location: 8q24.3.
Variant type: single nucleotide variant.
Coding change: c.12675C>G on transcript NM_201384.3 (MANE Select); coding-DNA position 12675, C replaced by G.
Protein change: p.Gly4225=; no amino-acid change (glycine 4225 retained).
Molecular consequence: synonymous variant.
Genome position (GRCh38, 1-based): chr8:143,917,146, G>C on the plus strand (C>G on the coding strand, the complement: PLEC is on the minus strand). VCF-style: chr8-143917146-G-C. GRCh37 (hg19) VCF-style: chr8-144991314-G-C.
Other names: c.12756C>G, p.Gly4252= (NM_000445.5); c.12633C>G, p.Gly4211= (NM_201378.4); c.12609C>G, p.Gly4203= (NM_201379.3); c.13086C>G, p.Gly4362= (NM_201380.4); c.12579C>G, p.Gly4193= (NM_201381.3); c.12675C>G, p.Gly4225= (NM_201382.4); c.12687C>G, p.Gly4229= (NM_201383.3).
Identifiers: ClinVar variation 502557 (VCV000502557.16), dbSNP rs371534902, ClinGen allele CA4924017.